The following is an entry in ClinVar:

NM_001166114.2(PNPLA6):c.3868C>T (p.Arg1290Trp)

Gene: PNPLA6 (patatin like domain 6, lysophospholipase; plus strand). Cytogenetic location: 19p13.2.
Variant type: single nucleotide variant.
Coding change: c.3868C>T on transcript NM_001166114.2 (MANE Select); coding-DNA position 3868, C replaced by T.
Protein change: p.Arg1290Trp; replaces arginine 1290 with tryptophan.
Molecular consequence: missense variant.
Genome position (GRCh38, 1-based): chr19:7,561,065, C>T. VCF-style: chr19-7561065-C-T. GRCh37 (hg19) VCF-style: chr19-7625951-C-T.
Other names: c.3898C>T, p.Arg1300Trp (NM_001166111.2); c.3673C>T, p.Arg1225Trp (NM_001166112.2); c.3754C>T, p.Arg1252Trp (NM_001166113.1, NM_006702.5); short protein forms R1252W, R1225W, R1290W, R1300W.
Identifiers: ClinVar variation 469620 (VCV000469620.8), dbSNP rs369159451, ClinGen allele CA9140615.

ClinVar aggregate classification (germline): Uncertain significance. Review status: criteria provided, multiple submitters, no conflicts (2 of 4 stars). 2 submissions from 2 submitters: Uncertain significance (2). Last evaluated 2023-11-30.

Conditions:
Hereditary spastic paraplegia 39 (SPG39). Also called: SPASTIC PARAPLEGIA 39, AUTOSOMAL RECESSIVE; Spastic Paraplegia Type 39 (SPG39). Identifiers: Orphanet 139480, MedGen C2677586, MONDO:0012787, OMIM 612020.

Allele frequency attached by ClinVar (database versions not stated): ESP Exome Variant Server 0.00008; 1000 Genomes Project 30x 0.00016; 1000 Genomes Project 0.00020; gnomAD 0.00002; TOPMed 0.00002; ExAC 0.00003.
gnomAD v4.1: 40 of 1,613,444 alleles (0.0025%); highest among the groups gnomAD compares: African/African-American, 0.004%; no homozygotes.

Submissions (2):

Institute of Medical Genetics and Applied Genomics, University Hospital Tübingen
Classification: Uncertain significance for Hereditary spastic paraplegia 39. Last evaluated: 2023-11-30. Review status: criteria provided, single submitter. Criteria: ACMG Guidelines, 2015. Collection method: clinical testing. Allele origin: germline. Inheritance: Autosomal recessive inheritance. Affected: yes.

Labcorp Genetics (formerly Invitae), Labcorp
Classification: Uncertain significance for Hereditary spastic paraplegia 39. Last evaluated: 2023-08-28. Review status: criteria provided, single submitter. Criteria: Invitae Variant Classification Sherloc (09022015). Collection method: clinical testing. Allele origin: germline.
Comment: In summary, the available evidence is currently insufficient to determine the role of this variant in disease. Therefore, it has been classified as a Variant of Uncertain Significance. Advanced modeling of protein sequence and biophysical properties (such as structural, functional, and spatial information, amino acid conservation, physicochemical variation, residue mobility, and thermodynamic stability) has been performed at Invitae for this missense variant, however the output from this modeling did not meet the statistical confidence thresholds required to predict the impact of this variant on PNPLA6 protein function. ClinVar contains an entry for this variant (Variation ID: 469620). This variant has not been reported in the literature in individuals affected with PNPLA6-related conditions. This variant is present in population databases (rs369159451, gnomAD 0.007%). This sequence change replaces arginine, which is basic and polar, with tryptophan, which is neutral and slightly polar, at codon 1252 of the PNPLA6 protein (p.Arg1252Trp).